The following is an entry in ClinVar:

NM_001037335.2(HELZ2):c.4167G>A (p.Ala1389=)

Gene: HELZ2 (helicase with zinc finger 2; minus strand). Cytogenetic location: 20q13.33.
Variant type: single nucleotide variant.
Coding change: c.4167G>A on transcript NM_001037335.2 (MANE Select); coding-DNA position 4167, G replaced by A.
Protein change: p.Ala1389=; no amino-acid change (alanine 1389 retained).
Molecular consequence: synonymous variant.
Genome position (GRCh38, 1-based): chr20:63,564,655, C>T on the plus strand (G>A on the coding strand, the complement: HELZ2 is on the minus strand). VCF-style: chr20-63564655-C-T. GRCh37 (hg19) VCF-style: chr20-62196008-C-T.
Other names: c.2460G>A, p.Ala820= (NM_033405.3).
Identifiers: ClinVar variation 2652554 (VCV002652554.24), dbSNP rs373652788, ClinGen allele CA9962115.

ClinVar aggregate classification (germline): Likely benign (1 of 4 stars; one submission).

Allele frequency attached by ClinVar (database versions not stated): ESP Exome Variant Server 0.00008; ExAC 0.00015; gnomAD exomes 0.00016; TOPMed 0.00017; gnomAD 0.00021.
gnomAD v4.1: 268 of 1,571,244 alleles (0.017%); highest among the groups gnomAD compares: Admixed American, 0.043%; no homozygotes.

Submission:

CeGaT Center for Human Genetics Tuebingen
Classification: Likely benign. Last evaluated: 2022-10-01. Review status: criteria provided, single submitter. Criteria: CeGaT Center For Human Genetics Tuebingen Variant Classification Criteria Version 2. Collection method: clinical testing. Allele origin: germline. Affected: yes. Observed: 1 variant allele.
Comment: HELZ2: BP4, BP7